The following is an entry in ClinVar:

ClinVar aggregate classification (germline): Benign/Likely benign. Review status: criteria provided, multiple submitters, no conflicts (2 of 4 stars). 4 submissions from 4 submitters: Benign (2); Likely benign (1). 1 of the submissions does not count toward it. Last evaluated 2026-01-12.

Conditions:
Retinal dystrophy. Also called: Inherited retinal dystrophy. Identifiers: Orphanet 71862, MedGen C0854723, MeSH D058499, MONDO:0019118, HP:0000556.
SNRNP200-related disorder. Also called: SNRNP200-related condition.

Allele frequency attached by ClinVar (database versions not stated): gnomAD exomes 0.00010 and 0.00036; gnomAD 0.00019 and 0.00020; ExAC 0.00027; TOPMed 0.00030.
gnomAD v4.1: 173 of 1,614,050 alleles (0.011%); highest among the groups gnomAD compares: Admixed American, 0.21%; no homozygotes.

Submissions (4):

Labcorp Genetics (formerly Invitae), Labcorp
Classification: Benign. Last evaluated: 2026-01-12. Review status: criteria provided, single submitter. Criteria: Invitae Variant Classification Sherloc (09022015). Collection method: clinical testing. Allele origin: germline.

Blueprint Genetics
Classification: Likely benign. Last evaluated: 2024-01-11. Review status: criteria provided, single submitter. Criteria: ACMG Guidelines, 2015. Collection method: clinical testing. Allele origin: germline.

Dept Of Ophthalmology, Nagoya University
Classification: Benign for Retinal dystrophy. Last evaluated: 2023-10-01. Review status: criteria provided, single submitter. Criteria: Submitter's publication. Collection method: research. Allele origin: germline. Affected: yes.

PreventionGenetics, part of Exact Sciences
Classification: Likely benign for SNRNP200-related condition. Last evaluated: 2019-06-19. Review status: no assertion criteria provided. Collection method: clinical testing. Allele origin: germline. Not counted in ClinVar's aggregate classification.
Comment: This variant is classified as likely benign based on ACMG/AMP sequence variant interpretation guidelines (Richards et al. 2015 PMID: 25741868, with internal and published modifications).

NM_014014.5(SNRNP200):c.3924C>T (p.Pro1308=)

Gene: SNRNP200 (small nuclear ribonucleoprotein U5 subunit 200; minus strand). Cytogenetic location: 2q11.2.
Variant type: single nucleotide variant.
Coding change: c.3924C>T on transcript NM_014014.5 (MANE Select); coding-DNA position 3924, C replaced by T.
Protein change: p.Pro1308=; no amino-acid change (proline 1308 retained).
Molecular consequence: synonymous variant.
Genome position (GRCh38, 1-based): chr2:96,286,390, G>A on the plus strand (C>T on the coding strand, the complement: SNRNP200 is on the minus strand). VCF-style: chr2-96286390-G-A. GRCh37 (hg19) VCF-style: chr2-96952128-G-A.
Identifiers: ClinVar variation 721410 (VCV000721410.14), dbSNP rs765746512, ClinGen allele CA1778347.